The following is an entry in ClinVar:

ClinVar aggregate classification (germline): Uncertain significance (1 of 4 stars; one submission).

Submission:

Labcorp Genetics (formerly Invitae), Labcorp
Classification: Uncertain significance. Last evaluated: 2022-11-20. Review status: criteria provided, single submitter. Criteria: Invitae Variant Classification Sherloc (09022015). Collection method: clinical testing. Allele origin: germline.
Comment: This sequence change replaces aspartic acid, which is acidic and polar, with histidine, which is basic and polar, at codon 92 of the COL2A1 protein (p.Asp92His). This variant is not present in population databases (gnomAD no frequency). In summary, the available evidence is currently insufficient to determine the role of this variant in disease. Therefore, it has been classified as a Variant of Uncertain Significance. Advanced modeling of protein sequence and biophysical properties (such as structural, functional, and spatial information, amino acid conservation, physicochemical variation, residue mobility, and thermodynamic stability) performed at Invitae indicates that this missense variant is not expected to disrupt COL2A1 protein function. This variant has not been reported in the literature in individuals affected with COL2A1-related conditions.

NM_001844.5(COL2A1):c.274G>C (p.Asp92His)

Gene: COL2A1 (collagen type II alpha 1 chain; minus strand). Cytogenetic location: 12q13.11.
Variant type: single nucleotide variant.
Coding change: c.274G>C on transcript NM_001844.5 (MANE Select); coding-DNA position 274, G replaced by C.
Protein change: p.Asp92His; replaces aspartic acid 92 with histidine.
Molecular consequence: missense variant. On other transcripts: intron variant (1).
Genome position (GRCh38, 1-based): chr12:47,999,937, C>G on the plus strand (G>C on the coding strand, the complement: COL2A1 is on the minus strand). VCF-style: chr12-47999937-C-G. GRCh37 (hg19) VCF-style: chr12-48393720-C-G.
Other names: c.86-1506G>C (NM_033150.3); short protein forms D92H.
Identifiers: ClinVar variation 2815535 (VCV002815535.3), dbSNP rs2540187330, ClinGen allele CA384525833.